The following is an entry in ClinVar:

ClinVar aggregate classification (germline): Likely pathogenic (1 of 4 stars; one submission).

Conditions:
Acrocallosal syndrome (ACLS). Also called: HALLUX DUPLICATION, POSTAXIAL POLYDACTYLY, AND ABSENCE OF CORPUS CALLOSUM; Schinzel syndrome 1; Absence of corpus callosum with unusual facial appearance, mental deficiency, duplication of the halluces and polydactyly. Identifiers: Orphanet 36, MedGen C0796147, MONDO:0008708, OMIM 200990.

Submission:

Labcorp Genetics (formerly Invitae), Labcorp
Classification: Likely pathogenic for Acrocallosal syndrome. Last evaluated: 2021-09-25. Review status: criteria provided, single submitter. Criteria: Invitae Variant Classification Sherloc (09022015). Collection method: clinical testing. Allele origin: germline.
Comment: In summary, the currently available evidence indicates that the variant is pathogenic, but additional data are needed to prove that conclusively. Therefore, this variant has been classified as Likely Pathogenic. Algorithms developed to predict the effect of sequence changes on RNA splicing suggest that this variant may disrupt the consensus splice site. This variant has not been reported in the literature in individuals affected with KIF7-related conditions. This variant is not present in population databases (ExAC no frequency). This sequence change affects an acceptor splice site in intron 10 of the KIF7 gene. It is expected to disrupt RNA splicing. Variants that disrupt the donor or acceptor splice site typically lead to a loss of protein function (PMID: 16199547), and loss-of-function variants in KIF7 are known to be pathogenic (PMID: 19666503, 21552264, 21633164, 26648833).

Literature cited by the submitters: PubMed 16199547; PubMed 19666503; PubMed 21552264; PubMed 21633164; PubMed 26648833.

NM_198525.3(KIF7):c.2192-1G>A

Gene: KIF7 (kinesin family member 7; minus strand). Cytogenetic location: 15q26.1.
Variant type: single nucleotide variant.
Coding change: c.2192-1G>A on transcript NM_198525.3 (MANE Select); the canonical splice acceptor site of the intron before coding-DNA position 2192, G replaced by A.
Molecular consequence: splice acceptor variant.
Genome position (GRCh38, 1-based): chr15:89,642,406, C>T on the plus strand (G>A on the coding strand, the complement: KIF7 is on the minus strand). VCF-style: chr15-89642406-C-T. GRCh37 (hg19) VCF-style: chr15-90185637-C-T.
Identifiers: ClinVar variation 1483155 (VCV001483155.6), dbSNP rs1424230161, ClinGen allele CA393762693.